The following is an entry in ClinVar:

NM_001972.4(ELANE):c.676G>A (p.Gly226Arg)

Gene: ELANE (elastase, neutrophil expressed; plus strand). Cytogenetic location: 19p13.3.
Variant type: single nucleotide variant.
Coding change: c.676G>A on transcript NM_001972.4 (MANE Select); coding-DNA position 676, G replaced by A.
Protein change: p.Gly226Arg; replaces glycine 226 with arginine.
Molecular consequence: missense variant.
Genome position (GRCh38, 1-based): chr19:856,036, G>A. VCF-style: chr19-856036-G-A. GRCh37 (hg19) VCF-style: chr19-856036-G-A.
Other names: short protein forms G226R.
Identifiers: ClinVar variation 1364682 (VCV001364682.11), dbSNP rs780046041, ClinGen allele CA9026138.

ClinVar aggregate classification (germline): Uncertain significance. Review status: criteria provided, multiple submitters, no conflicts (2 of 4 stars). 2 submissions from 2 submitters: Uncertain significance (2). Last evaluated 2020-12-13.

Conditions:
Cyclical neutropenia. Also called: Cyclic hematopoiesis; Cyclic Neutropenia. Identifiers: Orphanet 2686, MedGen C0221023, MONDO:0008090, OMIM 162800, HP:0040289. Disease mechanism: loss of function.
Neutropenia, severe congenital, 1, autosomal dominant. Identifiers: MedGen C1859966, MONDO:0042490, OMIM 202700.
Autoinflammatory syndrome. Identifiers: Orphanet 93665, MedGen C3890737, MONDO:0019751.

Allele frequency attached by ClinVar (database versions not stated): gnomAD exomes below 0.00001 and 0.00001; ExAC 0.00001.
gnomAD v4.1: 8 of 1,613,598 alleles (0.0005%); highest among the groups gnomAD compares: Non-Finnish European, 0.00068%; no homozygotes.

Submissions (2):

Labcorp Genetics (formerly Invitae), Labcorp
Classification: Uncertain significance for Neutropenia, severe congenital, 1, autosomal dominant; Cyclical neutropenia. Last evaluated: 2020-12-13. Review status: criteria provided, single submitter. Criteria: Invitae Variant Classification Sherloc (09022015). Collection method: clinical testing. Allele origin: germline.
Comment: In summary, the available evidence is currently insufficient to determine the role of this variant in disease. Therefore, it has been classified as a Variant of Uncertain Significance. Algorithms developed to predict the effect of missense changes on protein structure and function (SIFT, PolyPhen-2, Align-GVGD) all suggest that this variant is likely to be disruptive, but these predictions have not been confirmed by published functional studies and their clinical significance is uncertain. This variant has been observed in individual(s) with severe congenital neutropenia (PMID: 25427142). This variant is present in population databases (rs780046041, ExAC 0.002%). This sequence change replaces glycine with arginine at codon 226 of the ELANE protein (p.Gly226Arg). The glycine residue is highly conserved and there is a moderate physicochemical difference between glycine and arginine.

Genome Diagnostics Laboratory, The Hospital for Sick Children
Classification: Uncertain significance for Autoinflammatory syndrome. Last evaluated: 2018-12-01. Review status: criteria provided, single submitter. Criteria: ACMG Guidelines, 2015. Collection method: clinical testing. Allele origin: germline. Affected: yes.

Literature cited by the submitters: PubMed 25427142 (cited by Labcorp Genetics (formerly Invitae), Labcorp).